The following is an entry in ClinVar:

NM_012193.4(FZD4):c.1274C>A (p.Thr425Lys)

Genes: FZD4 (frizzled class receptor 4; minus strand), PRSS23 (serine protease 23; plus strand). Cytogenetic location: 11q14.2.
Variant type: single nucleotide variant.
Coding change: c.1274C>A on transcript NM_012193.4 (MANE Select); coding-DNA position 1274, C replaced by A.
Protein change: p.Thr425Lys; replaces threonine 425 with lysine.
Molecular consequence: missense variant. On other transcripts: non-coding transcript variant (2).
Genome position (GRCh38, 1-based): chr11:86,951,482, G>T on the plus strand (C>A on the coding strand, the complement: FZD4 is on the minus strand). VCF-style: chr11-86951482-G-T. GRCh37 (hg19) VCF-style: chr11-86662524-G-T.
Other names: c.1274C>A (NM_012193.3); short protein forms T425K.
Identifiers: ClinVar variation 1497853 (VCV001497853.7), dbSNP rs965869392, ClinGen allele CA225380661.

ClinVar aggregate classification (germline): Uncertain significance. Review status: criteria provided, multiple submitters, no conflicts (2 of 4 stars). 2 submissions from 2 submitters: Uncertain significance (2). Last evaluated 2025-08-29.

Conditions:
Inborn genetic diseases. Identifiers: MedGen C0950123, MeSH D030342.

Allele frequency attached by ClinVar (database versions not stated): TOPMed 0.00001; gnomAD exomes 0.00002.
gnomAD v4.1: 4 of 1,614,006 alleles (0.00025%); highest among the groups gnomAD compares: Admixed American, 0.0067%; no homozygotes.

Submissions (2):

Ambry Genetics
Classification: Uncertain significance for Inborn genetic diseases. Last evaluated: 2025-08-29. Review status: criteria provided, single submitter. Criteria: Ambry Variant Classification Scheme 2023. Collection method: clinical testing. Allele origin: germline.

Labcorp Genetics (formerly Invitae), Labcorp
Classification: Uncertain significance. Last evaluated: 2025-04-17. Review status: criteria provided, single submitter. Criteria: Invitae Variant Classification Sherloc (09022015). Collection method: clinical testing. Allele origin: germline.
Comment: This sequence change replaces threonine, which is neutral and polar, with lysine, which is basic and polar, at codon 425 of the FZD4 protein (p.Thr425Lys). This variant is present in population databases (no rsID available, gnomAD 0.01%). This variant has not been reported in the literature in individuals affected with FZD4-related conditions. ClinVar contains an entry for this variant (Variation ID: 1497853). Invitae Evidence Modeling of protein sequence and biophysical properties (such as structural, functional, and spatial information, amino acid conservation, physicochemical variation, residue mobility, and thermodynamic stability) indicates that this missense variant is not expected to disrupt FZD4 protein function with a negative predictive value of 80%. In summary, the available evidence is currently insufficient to determine the role of this variant in disease. Therefore, it has been classified as a Variant of Uncertain Significance.